The following is an entry in ClinVar:

ClinVar aggregate classification (germline): Uncertain significance (1 of 4 stars; one submission).

Submission:

Labcorp Genetics (formerly Invitae), Labcorp
Classification: Uncertain significance. Last evaluated: 2024-06-26. Review status: criteria provided, single submitter. Criteria: Invitae Variant Classification Sherloc (09022015). Collection method: clinical testing. Allele origin: germline.
Comment: This sequence change replaces arginine, which is basic and polar, with histidine, which is basic and polar, at codon 270 of the IRF9 protein (p.Arg270His). This variant is present in population databases (rs146649804, gnomAD 0.01%). This variant has not been reported in the literature in individuals affected with IRF9-related conditions. Algorithms developed to predict the effect of missense changes on protein structure and function output the following: SIFT: "Not Available"; PolyPhen-2: "Benign"; Align-GVGD: "Not Available". The histidine amino acid residue is found in multiple mammalian species, which suggests that this missense change does not adversely affect protein function. In summary, the available evidence is currently insufficient to determine the role of this variant in disease. Therefore, it has been classified as a Variant of Uncertain Significance.

NM_006084.5(IRF9):c.809G>A (p.Arg270His)

Gene: IRF9 (interferon regulatory factor 9; plus strand). Cytogenetic location: 14q12.
Variant type: single nucleotide variant.
Coding change: c.809G>A on transcript NM_006084.5 (MANE Select); coding-DNA position 809, G replaced by A.
Protein change: p.Arg270His; replaces arginine 270 with histidine.
Molecular consequence: missense variant. On other transcripts: intron variant (1).
Genome position (GRCh38, 1-based): chr14:24,164,773, G>A. VCF-style: chr14-24164773-G-A. GRCh37 (hg19) VCF-style: chr14-24633982-G-A.
Other names: c.836G>A, p.Arg279His (NM_001385400.1, NM_001385401.1); c.650-104G>A (NM_001385402.1); short protein forms R270H, R279H.
Identifiers: ClinVar variation 3606137 (VCV003606137.2).